The following is an entry in ClinVar:

ClinVar aggregate classification (germline): Pathogenic (1 of 4 stars; one submission).

Submission:

Labcorp Genetics (formerly Invitae), Labcorp
Classification: Pathogenic. Last evaluated: 2022-11-06. Review status: criteria provided, single submitter. Criteria: Invitae Variant Classification Sherloc (09022015). Collection method: clinical testing. Allele origin: unknown.
Comment: For these reasons, this variant has been classified as Pathogenic. This variant has not been reported in the literature in individuals affected with MED17-related conditions. This variant is a gross deletion of the genomic region encompassing exon(s) 8 of the MED17 gene. This deletion is out-of-frame, and is expected to create a premature termination codon and result in an absent or disrupted protein product. Loss-of-function variants in MED17 are known to be pathogenic (PMID: 20950787, 26004231, 30345598).

Literature cited by the submitters: PubMed 20950787; PubMed 26004231; PubMed 30345598.

NC_000011.9:g.(?_93530691)_(93530895_?)del

Gene: MED17 (mediator complex subunit 17; plus strand). Cytogenetic location: 11q21.
Variant type: Deletion.
Identifiers: ClinVar variation 3244755 (VCV003244755.1).